The following is an entry in ClinVar:

ClinVar aggregate classification (germline): Uncertain significance (1 of 4 stars; one submission).

gnomAD v4.1: 1 of 1,613,772 alleles (0.000062%); no homozygotes.

Submission:

Labcorp Genetics (formerly Invitae), Labcorp
Classification: Uncertain significance. Last evaluated: 2024-09-29. Review status: criteria provided, single submitter. Criteria: Invitae Variant Classification Sherloc (09022015). Collection method: clinical testing. Allele origin: germline.
Comment: This sequence change replaces leucine, which is neutral and non-polar, with methionine, which is neutral and non-polar, at codon 652 of the SUCO protein (p.Leu652Met). This variant is not present in population databases (gnomAD no frequency). This variant has not been reported in the literature in individuals affected with SUCO-related conditions. An algorithm developed to predict the effect of missense changes on protein structure and function outputs the following: PolyPhen-2: "Benign". The methionine amino acid residue is found in multiple mammalian species, which suggests that this missense change does not adversely affect protein function. In summary, the available evidence is currently insufficient to determine the role of this variant in disease. Therefore, it has been classified as a Variant of Uncertain Significance.

NM_014283.5(SUCO):c.1954T>A (p.Leu652Met)

Gene: SUCO (SUN domain containing ossification factor; plus strand). Cytogenetic location: 1q24.3.
Variant type: single nucleotide variant.
Coding change: c.1954T>A on transcript NM_014283.5 (MANE Select); coding-DNA position 1954, T replaced by A.
Protein change: p.Leu652Met; replaces leucine 652 with methionine.
Molecular consequence: missense variant. On other transcripts: intron variant (1).
Genome position (GRCh38, 1-based): chr1:172,589,055, T>A. VCF-style: chr1-172589055-T-A. GRCh37 (hg19) VCF-style: chr1-172558195-T-A.
Other names: c.265T>A, p.Leu89Met (NM_001282751.2); c.2407T>A, p.Leu803Met (NM_016227.4); c.1712+131T>A (NM_001282750.2); short protein forms L803M, L89M, L652M.
Identifiers: ClinVar variation 3705442 (VCV003705442.2).
Genomic context (GRCh38, chr1:172,589,055, plus strand): 5'-TACATATATAAATGGTGTTCAGTTAGAGTTGCTCTTTATCGGCAGCGCAGCCGAACTGCT[T>A]TGAGTAAAGGAAAAGATTATCTTGTGTTAGCTCAACCACCCTTACTACTTCCTGCGGAAT-3'
Protein context (NP_055098.1, residues 642-662): ALYRQRSRTA[Leu652Met]SKGKDYLVLA